The following is an entry in ClinVar:

ClinVar aggregate classification (germline): Uncertain significance (1 of 4 stars; one submission).

Conditions:
Epileptic encephalopathy. Identifiers: MedGen C0543888, HP:0200134.

Allele frequency attached by ClinVar (database versions not stated): gnomAD exomes below 0.00001; ExAC 0.00001.
gnomAD v4.1: 5 of 1,614,054 alleles (0.00031%); highest among the groups gnomAD compares: Non-Finnish European, 0.00034%; no homozygotes.

Submission:

Labcorp Genetics (formerly Invitae), Labcorp
Classification: Uncertain significance for Epileptic encephalopathy. Last evaluated: 2023-06-24. Review status: criteria provided, single submitter. Criteria: Invitae Variant Classification Sherloc (09022015). Collection method: clinical testing. Allele origin: germline.
Comment: In summary, the available evidence is currently insufficient to determine the role of this variant in disease. Therefore, it has been classified as a Variant of Uncertain Significance. Advanced modeling of protein sequence and biophysical properties (such as structural, functional, and spatial information, amino acid conservation, physicochemical variation, residue mobility, and thermodynamic stability) performed at Invitae indicates that this missense variant is not expected to disrupt GABBR2 protein function. This variant has not been reported in the literature in individuals affected with GABBR2-related conditions. This variant is present in population databases (rs755296804, gnomAD 0.0009%). This sequence change replaces threonine, which is neutral and polar, with alanine, which is neutral and non-polar, at codon 448 of the GABBR2 protein (p.Thr448Ala).

NM_005458.8(GABBR2):c.1342A>G (p.Thr448Ala)

Gene: GABBR2 (gamma-aminobutyric acid type B receptor subunit 2; minus strand). Cytogenetic location: 9q22.33.
Variant type: single nucleotide variant.
Coding change: c.1342A>G on transcript NM_005458.8 (MANE Select); coding-DNA position 1342, A replaced by G.
Protein change: p.Thr448Ala; replaces threonine 448 with alanine.
Molecular consequence: missense variant.
Genome position (GRCh38, 1-based): chr9:98,394,211, T>C on the plus strand (A>G on the coding strand, the complement: GABBR2 is on the minus strand). VCF-style: chr9-98394211-T-C. GRCh37 (hg19) VCF-style: chr9-101156493-T-C.
Other names: short protein forms T448A.
Identifiers: ClinVar variation 2727053 (VCV002727053.3), dbSNP rs755296804, ClinGen allele CA5152747.
Genomic context (GRCh38, chr9:98,394,211, plus strand): 5'-CTCTGAGAAGCCCACCTGCCTTACCTTGGAACCTGATGGTGTCATTGATGATCTCCAGTG[T>C]GTCGGCCACAGCGTTGTACTCTCCCACCTTCACCTCCCTGCTGTCTGTGGGGAGCAAAAG-3'
Protein context (NP_005449.5, residues 438-458): KVGEYNAVAD[Thr448Ala]LEIINDTIRF